The following is an entry in ClinVar:

NM_012424.6(RPS6KC1):c.1066del (p.Arg356fs)

Gene: RPS6KC1 (ribosomal protein S6 kinase C1; plus strand). Cytogenetic location: 1q32.3.
Variant type: Deletion.
Coding change: c.1066del on transcript NM_012424.6 (MANE Select); coding-DNA position 1066, one base deleted (A; older notation c.1066delA).
Protein change: p.Arg356fs; shifts the reading frame from arginine 356.
Molecular consequence: frameshift variant. On other transcripts: intron variant (11), non-coding transcript variant (3).
Genome position (GRCh38, 1-based): chr1:213,230,518, A deleted; the last of 2 consecutive A bases (chr1:213,230,517-213,230,518); deleting either gives the same sequence. VCF-style (leftmost placement, unchanged base first): chr1-213230516-CA-C. GRCh37 (hg19) VCF-style: chr1-213403859-CA-C.
Other names: c.-170-10184del (NM_001349671.2, NM_001349668.2, NM_001287220.3 and 8 more transcripts); c.1030del, p.Arg344fs (NM_001136138.4); c.430del, p.Arg144fs (NM_001287218.3, NM_001287219.3, NM_001349654.2); c.523del, p.Arg175fs (NM_001287221.3, NM_001349648.2, NM_001349649.2 and 4 more transcripts); c.973del, p.Arg325fs (NM_001349646.2); c.703del, p.Arg235fs (NM_001349647.2); c.175del, p.Arg59fs (NM_001349657.2, NM_001349658.2); c.10del, p.Arg4fs (NM_001349659.2, NM_001349660.2, NM_001349661.2 and 1 more transcripts); short protein forms R325fs, R144fs, R344fs, R4fs, R175fs, R235fs, R356fs, R59fs.
Identifiers: ClinVar variation 2106738 (VCV002106738.4), dbSNP rs2547503925, ClinGen allele CA2580062028.
Genomic context (GRCh38, chr1:213,230,516, plus strand): 5'-ATTGTATTGTTAATAAATTATTACTCGTGTCTTTTATGTAGGTTTTACTTGTAATGGACA[CA>C]AGGACAGAACAGACTTTCATTTTAAAAGTAAGTAAAATTTGTAGCCAGGCGCGGTGCCTA-3'

ClinVar aggregate classification (germline): Uncertain significance (1 of 4 stars; one submission).

Submission:

Labcorp Genetics (formerly Invitae), Labcorp
Classification: Uncertain significance. Last evaluated: 2022-11-22. Review status: criteria provided, single submitter. Criteria: Invitae Variant Classification Sherloc (09022015). Collection method: clinical testing. Allele origin: germline.
Comment: Experimental studies and prediction algorithms are not available or were not evaluated, and the functional significance of this variant is currently unknown. In summary, the available evidence is currently insufficient to determine the role of this variant in disease. Therefore, it has been classified as a Variant of Uncertain Significance. This variant has not been reported in the literature in individuals affected with RPS6KC1-related conditions. This variant is not present in population databases (gnomAD no frequency). This sequence change creates a premature translational stop signal (p.Arg356Glyfs*8) in the RPS6KC1 gene. It is expected to result in an absent or disrupted protein product. However, the current clinical and genetic evidence is not sufficient to establish whether loss-of-function variants in RPS6KC1 cause disease.